The following is an entry in ClinVar:

NM_014588.6(VSX1):c.2T>A (p.Met1Lys)

Gene: VSX1 (visual system homeobox 1; minus strand). Cytogenetic location: 20p11.21.
Variant type: single nucleotide variant.
Coding change: c.2T>A on transcript NM_014588.6 (MANE Select); coding-DNA position 2, T replaced by A.
Protein change: p.Met1Lys; changes the start codon (methionine 1).
Molecular consequence: missense variant, initiator codon variant. On other transcripts: non-coding transcript variant (2).
Genome position (GRCh38, 1-based): chr20:25,082,095, A>T on the plus strand (T>A on the coding strand, the complement: VSX1 is on the minus strand). VCF-style: chr20-25082095-A-T. GRCh37 (hg19) VCF-style: chr20-25062731-A-T.
Other names: c.2T>A, p.Met1Lys (NM_001256271.2, NM_001256272.2, NM_199425.3); short protein forms M1K.
Identifiers: ClinVar variation 719585 (VCV000719585.11), dbSNP rs192303122, ClinGen allele CA9793719.

ClinVar aggregate classification (germline): Likely benign. Review status: criteria provided, multiple submitters, no conflicts (2 of 4 stars). 3 submissions from 3 submitters: Likely benign (3). Last evaluated 2026-07-31.

Conditions:
VSX1-related disorder. Also called: VSX1-related condition.
Craniofacial anomalies and anterior segment dysgenesis syndrome (CAASDS). Identifiers: MedGen C3280099, MONDO:0013618, OMIM 614195.
Keratoconus 1 (KTCN1). Identifiers: MedGen C1835677, MONDO:0007851, OMIM 148300.

Allele frequency attached by ClinVar (database versions not stated): ExAC 0.00026; gnomAD exomes 0.00057; TOPMed 0.00083; 1000 Genomes Project 30x 0.00094; gnomAD 0.00101 and 0.00103.

Submissions (3):

PreventionGenetics, part of Exact Sciences
Classification: Likely benign for VSX1-related condition. Last evaluated: 2026-07-31. Review status: criteria provided, single submitter. Criteria: ACMG Guidelines, 2015. Collection method: clinical testing. Allele origin: germline.
Comment: This variant is classified as likely benign based on ACMG/AMP sequence variant interpretation guidelines (Richards et al. 2015 PMID: 25741868, with internal and published modifications).

Labcorp Genetics (formerly Invitae), Labcorp
Classification: Likely benign. Last evaluated: 2025-10-13. Review status: criteria provided, single submitter. Criteria: Invitae Variant Classification Sherloc (09022015). Collection method: clinical testing. Allele origin: germline.

Fulgent Genetics
Classification: Likely benign for Keratoconus 1; Craniofacial anomalies and anterior segment dysgenesis syndrome. Last evaluated: 2022-02-26. Review status: criteria provided, single submitter. Criteria: ACMG Guidelines, 2015. Collection method: clinical testing. Allele origin: unknown.